The following is an entry in ClinVar:

ClinVar aggregate classification (germline): Uncertain significance (1 of 4 stars; one submission).

Conditions:
Metachromatic leukodystrophy, juvenile type. Also called: Metachromatic leukodystrophy, juvenile form. Identifiers: Orphanet 309263, MedGen C0751276, MONDO:0009591.

Allele frequency attached by ClinVar (database versions not stated): gnomAD exomes below 0.00001.

Submission:

Victorian Clinical Genetics Services, Murdoch Childrens Research Institute
Classification: Uncertain significance for Metachromatic leukodystrophy, juvenile type. Last evaluated: 2020-05-01. Review status: criteria provided, single submitter. Criteria: ACMG Guidelines, 2015. Collection method: clinical testing. Allele origin: germline. Inheritance: Autosomal recessive inheritance. Affected: yes.
Comment: Based on the classification scheme VCGS_Germline_v1.1.1, this variant is classified as 3C-VUS. Following criteria are met: 0102 - Loss-of-function is a known mechanism of disease for this gene. (N) 0106 - This gene is known to be associated with autosomal recessive disease. (N) 0200 - Variant is predicted to result in a missense amino acid change from valine to methionine (exon 8). (N) 0251 - Variant is heterozygous. (N) 0301 - Variant is absent from gnomAD. (P) 0503 - Missense variant consistently predicted to be tolerated or not conserved in mammals with a minor amino acid change. (B) 0600 - Variant is located in an annotated domain or motif (C-terminal region of aryl-sulfatase; PDB). (N) 0705 - No comparable variants have previous evidence for pathogenicity. (N) 0807 - Variant has not previously been reported in a clinical context. (N) 0905 - No segregation evidence has been identified for this variant. (N) 1007 - No published functional evidence has been identified for this variant. (N) 1208 - Inheritance information for this variant is not currently available. (N) Legend: (P) - Pathogenic, (N) - Neutral, (B) - Benign

NM_000487.6(ARSA):c.1360G>A (p.Val454Met)

Gene: ARSA (arylsulfatase A; minus strand). Cytogenetic location: 22q13.33.
Variant type: single nucleotide variant.
Coding change: c.1360G>A on transcript NM_000487.6 (MANE Select); coding-DNA position 1360, G replaced by A.
Protein change: p.Val454Met; replaces valine 454 with methionine.
Molecular consequence: missense variant.
Genome position (GRCh38, 1-based): chr22:50,625,315, C>T on the plus strand (G>A on the coding strand, the complement: ARSA is on the minus strand). VCF-style: chr22-50625315-C-T. GRCh37 (hg19) VCF-style: chr22-51063743-C-T.
Other names: c.1360G>A, p.Val454Met (NM_001085425.3, NM_001085426.3, NM_001085427.3); c.1102G>A, p.Val368Met (NM_001085428.3, NM_001362782.2); short protein forms V368M, V454M.
Identifiers: ClinVar variation 1805573 (VCV001805573.1), dbSNP rs2082644357, ClinGen allele CA412168230.